The following is an entry in ClinVar:

ClinVar aggregate classification (germline): Uncertain significance (1 of 4 stars; one submission).

Conditions:
GALM-related disorder. Also called: GALM-related condition.

Allele frequency attached by ClinVar (database versions not stated): ExAC 0.00008; gnomAD 0.00014; ESP Exome Variant Server 0.00015; 1000 Genomes Project 30x 0.00016; TOPMed 0.00016; 1000 Genomes Project 0.00020.
gnomAD v4.1: 83 of 1,613,664 alleles (0.0051%); highest among the groups gnomAD compares: African/African-American, 0.04%; no homozygotes.

Submission:

PreventionGenetics, part of Exact Sciences
Classification: Uncertain significance for GALM-related condition. Last evaluated: 2023-03-23. Review status: criteria provided, single submitter. Criteria: ACMG Guidelines, 2015. Collection method: clinical testing. Allele origin: germline.
Comment: The GALM c.956G>A variant is predicted to result in the amino acid substitution p.Arg319His. To our knowledge, this variant has not been reported in the literature. This variant is reported in 0.028% of alleles in individuals of African descent in gnomAD. At this time, the clinical significance of this variant is uncertain due to the absence of conclusive functional and genetic evidence.

NM_138801.3(GALM):c.956G>A (p.Arg319His)

Gene: GALM (galactose mutarotase; plus strand). Cytogenetic location: 2p22.1.
Variant type: single nucleotide variant.
Coding change: c.956G>A on transcript NM_138801.3 (MANE Select); coding-DNA position 956, G replaced by A.
Protein change: p.Arg319His; replaces arginine 319 with histidine.
Molecular consequence: missense variant.
Genome position (GRCh38, 1-based): chr2:38,733,492, G>A. VCF-style: chr2-38733492-G-A. GRCh37 (hg19) VCF-style: chr2-38960634-G-A.
Other names: short protein forms R319H.
Identifiers: ClinVar variation 2634727 (VCV002634727.1), dbSNP rs116100345, ClinGen allele CA1621717.